The following is an entry in ClinVar:

NM_145178.4(ATOH7):c.206A>G (p.Gln69Arg)

Gene: ATOH7 (atonal bHLH transcription factor 7; minus strand). Cytogenetic location: 10q21.3.
Variant type: single nucleotide variant.
Coding change: c.206A>G on transcript NM_145178.4 (MANE Select); coding-DNA position 206, A replaced by G.
Protein change: p.Gln69Arg; replaces glutamine 69 with arginine.
Molecular consequence: missense variant.
Genome position (GRCh38, 1-based): chr10:68,231,472, T>C on the plus strand (A>G on the coding strand, the complement: ATOH7 is on the minus strand). VCF-style: chr10-68231472-T-C. GRCh37 (hg19) VCF-style: chr10-69991229-T-C.
Other names: short protein forms Q69R.
Identifiers: ClinVar variation 1059783 (VCV001059783.6), dbSNP rs770053738, ClinGen allele CA5523362.

ClinVar aggregate classification (germline): Uncertain significance (1 of 4 stars; one submission).

Allele frequency attached by ClinVar (database versions not stated): gnomAD exomes 0.00001.

Submission:

Labcorp Genetics (formerly Invitae), Labcorp
Classification: Uncertain significance. Last evaluated: 2022-10-13. Review status: criteria provided, single submitter. Criteria: Invitae Variant Classification Sherloc (09022015). Collection method: clinical testing. Allele origin: germline.
Comment: This sequence change replaces glutamine, which is neutral and polar, with arginine, which is basic and polar, at codon 69 of the ATOH7 protein (p.Gln69Arg). This variant is present in population databases (rs770053738, gnomAD 0.009%). This variant has not been reported in the literature in individuals affected with ATOH7-related conditions. ClinVar contains an entry for this variant (Variation ID: 1059783). Algorithms developed to predict the effect of missense changes on protein structure and function (SIFT, PolyPhen-2, Align-GVGD) all suggest that this variant is likely to be disruptive. In summary, the available evidence is currently insufficient to determine the role of this variant in disease. Therefore, it has been classified as a Variant of Uncertain Significance.